The following is an entry in ClinVar:

ClinVar aggregate classification (germline): Uncertain significance (1 of 4 stars; one submission).

Conditions:
Inborn genetic diseases. Identifiers: MedGen C0950123, MeSH D030342.

Submission:

Ambry Genetics
Classification: Uncertain significance for Inborn genetic diseases. Last evaluated: 2025-01-19. Review status: criteria provided, single submitter. Criteria: Ambry Variant Classification Scheme 2023. Collection method: clinical testing. Allele origin: germline.
Comment: The p.G1401A variant (also known as c.4202G>C), located in coding exon 13 of the ASXL1 gene, results from a G to C substitution at nucleotide position 4202. The glycine at codon 1401 is replaced by alanine, an amino acid with similar properties. This amino acid position is conserved. In addition, this alteration is predicted to be tolerated by in silico analysis. Based on the available evidence, the clinical significance of this variant remains unclear.

NM_015338.6(ASXL1):c.4202G>C (p.Gly1401Ala)

Gene: ASXL1 (ASXL transcriptional regulator 1; plus strand). Cytogenetic location: 20q11.21.
Variant type: single nucleotide variant.
Coding change: c.4202G>C on transcript NM_015338.6 (MANE Select); coding-DNA position 4202, G replaced by C.
Protein change: p.Gly1401Ala; replaces glycine 1401 with alanine.
Molecular consequence: missense variant.
Genome position (GRCh38, 1-based): chr20:32,436,914, G>C. VCF-style: chr20-32436914-G-C. GRCh37 (hg19) VCF-style: chr20-31024717-G-C.
Other names: c.4019G>C, p.Gly1340Ala (NM_001363734.1); short protein forms G1340A, G1401A.
Identifiers: ClinVar variation 3792480 (VCV003792480.1).
Genomic context (GRCh38, chr20:32,436,914, plus strand): 5'-ATGCCGAGAACAGGAAAGCTACTGGGCATAGTCCCCTGGAACTGGTGGGTCACTTGGAAG[G>C]GATGCCCTTTGTCATGGACTTGCCCTTCTGGAAATTACCCCGAGAGCCAGGGAAGGGGCT-3'
Protein context (NP_056153.2, residues 1391-1411): SPLELVGHLE[Gly1401Ala]MPFVMDLPFW